The following is an entry in ClinVar:

NM_006031.6(PCNT):c.9343G>A (p.Gly3115Ser)

Gene: PCNT (pericentrin; plus strand). Cytogenetic location: 21q22.3.
Variant type: single nucleotide variant.
Coding change: c.9343G>A on transcript NM_006031.6 (MANE Select); coding-DNA position 9343, G replaced by A.
Protein change: p.Gly3115Ser; replaces glycine 3115 with serine.
Molecular consequence: missense variant.
Genome position (GRCh38, 1-based): chr21:46,440,152, G>A. VCF-style: chr21-46440152-G-A. GRCh37 (hg19) VCF-style: chr21-47860065-G-A.
Other names: c.8752G>A, p.Gly2918Ser (NM_001315529.2); short protein forms G2918S, G3115S.
Identifiers: ClinVar variation 3615764 (VCV003615764.3).

ClinVar aggregate classification (germline): Uncertain significance. Review status: criteria provided, multiple submitters, no conflicts (2 of 4 stars). 2 submissions from 2 submitters: Uncertain significance (2). Last evaluated 2024-12-04.

gnomAD v4.1: 26 of 1,614,074 alleles (0.0016%); highest among the groups gnomAD compares: Middle Eastern, 0.017%; no homozygotes.

Submissions (2):

Labcorp Genetics (formerly Invitae), Labcorp
Classification: Uncertain significance. Last evaluated: 2024-12-04. Review status: criteria provided, single submitter. Criteria: Invitae Variant Classification Sherloc (09022015). Collection method: clinical testing. Allele origin: germline.
Comment: This sequence change replaces glycine, which is neutral and non-polar, with serine, which is neutral and polar, at codon 3115 of the PCNT protein (p.Gly3115Ser). This variant is present in population databases (rs755004996, gnomAD 0.02%). This variant has not been reported in the literature in individuals affected with PCNT-related conditions. An algorithm developed to predict the effect of missense changes on protein structure and function (PolyPhen-2) suggests that this variant is likely to be tolerated. In summary, the available evidence is currently insufficient to determine the role of this variant in disease. Therefore, it has been classified as a Variant of Uncertain Significance.

Blueprint Genetics
Classification: Uncertain significance. Last evaluated: 2023-04-11. Review status: criteria provided, single submitter. Criteria: ACMG Guidelines, 2015. Collection method: clinical testing. Allele origin: germline.